The following is an entry in ClinVar:

ClinVar aggregate classification (germline): Pathogenic (1 of 4 stars; one submission).

Conditions:
Hereditary spastic paraplegia 11. Also called: SPASTIC PARAPLEGIA, AUTOSOMAL RECESSIVE, COMPLICATED, WITH THIN CORPUS CALLOSUM; SPASTIC PARAPLEGIA, AUTOSOMAL RECESSIVE, WITH MENTAL IMPAIRMENT AND THIN CORPUS CALLOSUM; Spastic Paraplegia 11; Nakamura Osame syndrome; Autosomal recessive hereditary spastic paraplegia, mental impairment, and thin corpus callosum; Spastic paraplegia, mental retardation and thin corpus callosum. Identifiers: Orphanet 2822, MedGen C1858479, MONDO:0011445, OMIM 604360.

Submission:

Labcorp Genetics (formerly Invitae), Labcorp
Classification: Pathogenic for Hereditary spastic paraplegia 11. Last evaluated: 2025-03-27. Review status: criteria provided, single submitter. Criteria: Invitae Variant Classification Sherloc (09022015). Collection method: clinical testing. Allele origin: germline.
Comment: This sequence change creates a premature translational stop signal (p.Ala282Cysfs*16) in the SPG11 gene. It is expected to result in an absent or disrupted protein product. Loss-of-function variants in SPG11 are known to be pathogenic (PMID: 19105190, 20110243, 22154821, 26556829). This variant is not present in population databases (gnomAD no frequency). This variant has not been reported in the literature in individuals affected with SPG11-related conditions. For these reasons, this variant has been classified as Pathogenic.

Literature cited by the submitters: PubMed 19105190; PubMed 20110243; PubMed 22154821; PubMed 26556829.

NM_025137.4(SPG11):c.844_859del (p.Ala282fs)

Gene: SPG11 (SPG11 vesicle trafficking associated, spatacsin; minus strand). Cytogenetic location: 15q21.1.
Variant type: Deletion.
Coding change: c.844_859del on transcript NM_025137.4 (MANE Select); coding-DNA positions 844 to 859, 16 bases deleted (GCTCTTAACTTAAATT).
Protein change: p.Ala282fs; shifts the reading frame from alanine 282.
Molecular consequence: frameshift variant.
Genome position (GRCh38, 1-based): chr15:44,657,105-44,657,120, AATTTAAGTTAAGAGC deleted on the plus strand (GCTCTTAACTTAAATT on the coding strand, the reverse complement: SPG11 is on the minus strand); deleting any 16 consecutive bases within chr15:44,657,105-44,657,122 gives the same sequence; the c. name uses the placement nearest the transcript's 3' end. VCF-style (leftmost placement, unchanged base first): chr15-44657104-AAATTTAAGTTAAGAGC-A. GRCh37 (hg19) VCF-style: chr15-44949302-AAATTTAAGTTAAGAGC-A.
Other names: c.844_859del, p.Ala282fs (NM_001160227.2, NM_001411132.1); short protein forms A282fs.
Identifiers: ClinVar variation 4715482 (VCV004715482.1).